The following is an entry in ClinVar:

NM_006766.5(KAT6A):c.3065G>C (p.Arg1022Thr)

Gene: KAT6A (lysine acetyltransferase 6A; minus strand). Cytogenetic location: 8p11.21.
Variant type: single nucleotide variant.
Coding change: c.3065G>C on transcript NM_006766.5 (MANE Select); coding-DNA position 3065, G replaced by C.
Protein change: p.Arg1022Thr; replaces arginine 1022 with threonine.
Molecular consequence: missense variant.
Genome position (GRCh38, 1-based): chr8:41,937,543, C>G on the plus strand (G>C on the coding strand, the complement: KAT6A is on the minus strand). VCF-style: chr8-41937543-C-G. GRCh37 (hg19) VCF-style: chr8-41795061-C-G.
Other names: short protein forms R1022T.
Identifiers: ClinVar variation 1800858 (VCV001800858.2), dbSNP rs2486763972, ClinGen allele CA371071062.

ClinVar aggregate classification (germline): Uncertain significance (1 of 4 stars; one submission).

Submission:

GeneDx
Classification: Uncertain significance. Last evaluated: 2024-09-13. Review status: criteria provided, single submitter. Criteria: GeneDx Variant Classification Process June 2021. Collection method: clinical testing. Allele origin: germline.
Comment: Not observed at significant frequency in large population cohorts (gnomAD); In silico analysis supports that this missense variant has a deleterious effect on protein structure/function; Has not been previously published as pathogenic or benign to our knowledge